The following is an entry in ClinVar:

NM_006206.6(PDGFRA):c.1079T>C (p.Leu360Pro)

Gene: PDGFRA (platelet derived growth factor receptor alpha; plus strand). Cytogenetic location: 4q12.
Variant type: single nucleotide variant.
Coding change: c.1079T>C on transcript NM_006206.6 (MANE Select); coding-DNA position 1079, T replaced by C.
Protein change: p.Leu360Pro; replaces leucine 360 with proline.
Molecular consequence: missense variant.
Genome position (GRCh38, 1-based): chr4:54,267,699, T>C. VCF-style: chr4-54267699-T-C. GRCh37 (hg19) VCF-style: chr4-55133866-T-C.
Other names: c.1079T>C, p.Leu360Pro (NM_001347827.2, NM_001347829.2); c.1154T>C, p.Leu385Pro (NM_001347828.2); c.1118T>C, p.Leu373Pro (NM_001347830.2); short protein forms L385P, L360P, L373P.
Identifiers: ClinVar variation 3416397 (VCV003416397.1).
Genomic context (GRCh38, chr4:54,267,699, plus strand): 5'-GGGCCTACCCACCTCCCAGGATATCCTGGCTGAAAAACAATCTGACTCTGATTGAAAATC[T>C]CACTGAGATCACCACTGATGTGGAAAAGATTCAGGAAATAAGGTAAAGAAACTCTCTGCC-3'
Protein context (NP_006197.1, residues 350-370): LKNNLTLIEN[Leu360Pro]TEITTDVEKI

ClinVar aggregate classification (germline): Uncertain significance (1 of 4 stars; one submission).

Conditions:
Hereditary cancer-predisposing syndrome. Also called: Neoplastic Syndromes, Hereditary; Tumor predisposition; Hereditary Cancer Syndrome; Hereditary neoplastic syndrome. Identifiers: Orphanet 140162, MedGen C0027672, MeSH D009386, MONDO:0015356.

Submission:

Ambry Genetics
Classification: Uncertain significance for Hereditary cancer-predisposing syndrome. Last evaluated: 2024-08-03. Review status: criteria provided, single submitter. Criteria: Ambry Variant Classification Scheme 2023. Collection method: clinical testing. Allele origin: germline.
Comment: The p.L360P variant (also known as c.1079T>C), located in coding exon 6 of the PDGFRA gene, results from a T to C substitution at nucleotide position 1079. The leucine at codon 360 is replaced by proline, an amino acid with similar properties. This amino acid position is conserved. In addition, the in silico prediction for this alteration is inconclusive. Based on the available evidence, the clinical significance of this variant remains unclear.